The following is an entry in ClinVar:

NM_033380.3(COL4A5):c.2777G>T (p.Gly926Val)

Gene: COL4A5 (collagen type IV alpha 5 chain; plus strand). Cytogenetic location: Xq22.3.
Variant type: single nucleotide variant.
Coding change: c.2777G>T on transcript NM_033380.3 (MANE Select); coding-DNA position 2777, G replaced by T.
Protein change: p.Gly926Val; replaces glycine 926 with valine.
Molecular consequence: missense variant.
Genome position (GRCh38, 1-based): chrX:108,622,685, G>T. VCF-style: chrX-108622685-G-T. GRCh37 (hg19) VCF-style: chrX-107865915-G-T.
Other names: NC_000023.10:g.107865915G>T; c.2777G>T, p.Gly926Val (NM_000495.5); c.2777G>T (NM_000495.4); short protein forms G926V.
Identifiers: ClinVar variation 1342012 (VCV001342012.3), dbSNP rs2147865541, ClinGen allele CA413852540.

ClinVar aggregate classification (germline): Conflicting classifications of pathogenicity. Review status: criteria provided, conflicting classifications (1 of 4 stars). 2 submissions from 2 submitters: Likely pathogenic (1); Uncertain significance (1). Last evaluated 2025-06-06.

Conditions:
X-linked Alport syndrome (ATS1). Also called: COL4A5-Related Nephropathy; NEPHROPATHY AND DEAFNESS, X-LINKED. Identifiers: Orphanet 63, Orphanet 88917, MedGen C4746986, MONDO:0010520, OMIM 301050.

Submissions (4):

Natera, Inc.
Classification: Likely pathogenic for X-linked Alport syndrome. Last evaluated: 2025-06-06. Review status: criteria provided, single submitter. Criteria: Natera Variant Classification Schema (03/2026). Collection method: clinical testing. Allele origin: germline.
Comment: The c.2777G>T variant in COL4A5 is a missense variant predicted to cause substitution of glycine to valine at amino acid 926. This variant is rare in the general population with a frequency below the threshold expected for the associated phenotype(s). This variant has been observed in affected individual(s) with monoallelic occurrence (heterozygous/hemizygous) (PMID: 35419377, 35368650). This variant has been observed to segregate in affected family members (PMID: 35419377). This variant is located in a functionally critical region of the protein. Computational prediction algorithms indicate this variant is likely to affect gene or protein function. Given the available evidence, this variant is classified as Likely Pathogenic.

CENTOGENE GmbH and LLC - Guiding Precision Medicine
Classification: Uncertain significance for X-linked Alport syndrome. Last evaluated: 2022-02-21. Review status: criteria provided, single submitter. Criteria: ACMG Guidelines, 2015. Collection method: clinical testing. Allele origin: germline. Affected: yes.

Dr. Peter K. Rogan Lab, Western University
No classification provided (evidence only). Condition: Thyroid cancer, nonmedullary, 1. Review status: no classification provided. Collection method: in vitro. Allele origin: not applicable. Functional consequence: cryptic splice site. Not counted in ClinVar's aggregate classification.

Dr. Peter K. Rogan Lab, Western University
No classification provided (evidence only). Condition: Nonpapillary renal cell carcinoma. Review status: no classification provided. Collection method: in vitro. Allele origin: not applicable. Functional consequence: retained intron. Not counted in ClinVar's aggregate classification.

Literature cited by the submitters: PubMed 35419377 (cited by Natera, Inc.); PubMed 35368650 (cited by Natera, Inc.).